The following is an entry in ClinVar:

NM_002032.3(FTH1):c.57C>T (p.Ala19=)

Genes: FTH1 (ferritin heavy chain 1; minus strand), LOC399900 (uncharacterized LOC399900; plus strand). Cytogenetic location: 11q12.3.
Variant type: single nucleotide variant.
Coding change: c.57C>T on transcript NM_002032.3 (MANE Select); coding-DNA position 57, C replaced by T.
Protein change: p.Ala19=; no amino-acid change (alanine 19 retained).
Molecular consequence: synonymous variant. On other transcripts: non-coding transcript variant (1).
Genome position (GRCh38, 1-based): chr11:61,967,369, G>A on the plus strand (C>T on the coding strand, the complement: FTH1 is on the minus strand). VCF-style: chr11-61967369-G-A. GRCh37 (hg19) VCF-style: chr11-61734841-G-A.
Identifiers: ClinVar variation 3032123 (VCV003032123.3), dbSNP rs370105090, ClinGen allele CA6041341.

ClinVar aggregate classification (germline): Likely benign. Review status: criteria provided, single submitter (1 of 4 stars). 2 submissions from 2 submitters: Likely benign (1). 1 of the submissions does not count toward it. Last evaluated 2025-10-14.

Conditions:
FTH1-related disorder. Also called: FTH1-related condition.

Allele frequency attached by ClinVar (database versions not stated): gnomAD exomes 0.00003; ExAC 0.00008; ESP Exome Variant Server 0.00051.
gnomAD v4.1: 74 of 1,607,252 alleles (0.0046%); highest among the groups gnomAD compares: African/African-American, 0.072%; no homozygotes.

Submissions (2):

Labcorp Genetics (formerly Invitae), Labcorp
Classification: Likely benign. Last evaluated: 2025-10-14. Review status: criteria provided, single submitter. Criteria: Invitae Variant Classification Sherloc (09022015). Collection method: clinical testing. Allele origin: germline.

PreventionGenetics, part of Exact Sciences
Classification: Likely benign for FTH1-related condition. Last evaluated: 2022-12-16. Review status: no assertion criteria provided. Collection method: clinical testing. Allele origin: germline. Not counted in ClinVar's aggregate classification.
Comment: This variant is classified as likely benign based on ACMG/AMP sequence variant interpretation guidelines (Richards et al. 2015 PMID: 25741868, with internal and published modifications).